The following is an entry in ClinVar:

ClinVar aggregate classification (germline): Uncertain significance (1 of 4 stars; one submission).

Allele frequency attached by ClinVar (database versions not stated): gnomAD exomes below 0.00001; gnomAD 0.00001 and 0.00002.
gnomAD v4.1: 5 of 1,613,934 alleles (0.00031%); highest among the groups gnomAD compares: Non-Finnish European, 0.00017%; no homozygotes.

Submission:

Labcorp Genetics (formerly Invitae), Labcorp
Classification: Uncertain significance. Last evaluated: 2025-02-03. Review status: criteria provided, single submitter. Criteria: Invitae Variant Classification Sherloc (09022015). Collection method: clinical testing. Allele origin: germline.
Comment: This sequence change falls in intron 26 of the LRP2 gene. It does not directly change the encoded amino acid sequence of the LRP2 protein. It affects a nucleotide within the consensus splice site. This variant is not present in population databases (gnomAD no frequency). This variant has not been reported in the literature in individuals affected with LRP2-related conditions. ClinVar contains an entry for this variant (Variation ID: 1357766). Variants that disrupt the consensus splice site are a relatively common cause of aberrant splicing (PMID: 17576681, 9536098). Algorithms developed to predict the effect of sequence changes on RNA splicing suggest that this variant is not likely to affect RNA splicing. In summary, the available evidence is currently insufficient to determine the role of this variant in disease. Therefore, it has been classified as a Variant of Uncertain Significance.

Literature cited by the submitters: PubMed 17576681; PubMed 9536098.

NM_004525.3(LRP2):c.4294+5T>C

Gene: LRP2 (LDL receptor related protein 2; minus strand). Cytogenetic location: 2q31.1.
Variant type: single nucleotide variant.
Coding change: c.4294+5T>C on transcript NM_004525.3 (MANE Select); 5 bases into the intron after coding-DNA position 4294, T replaced by C.
Molecular consequence: intron variant.
Genome position (GRCh38, 1-based): chr2:169,239,522, A>G on the plus strand (T>C on the coding strand, the complement: LRP2 is on the minus strand). VCF-style: chr2-169239522-A-G. GRCh37 (hg19) VCF-style: chr2-170096032-A-G.
Identifiers: ClinVar variation 1357766 (VCV001357766.6), dbSNP rs111269636, ClinGen allele CA59913036.